The following is an entry in ClinVar:

NM_153240.5(NPHP3):c.2694-7G>A

Genes: NPHP3 (nephrocystin 3; minus strand), NPHP3-ACAD11 (NPHP3-ACAD11 readthrough (NMD candidate); minus strand). Cytogenetic location: 3q22.1.
Variant type: single nucleotide variant.
Coding change: c.2694-7G>A on transcript NM_153240.5 (MANE Select); 7 bases into the intron before coding-DNA position 2694, G replaced by A.
Molecular consequence: intron variant.
Genome position (GRCh38, 1-based): chr3:132,689,270, C>T on the plus strand (G>A on the coding strand, the complement: NPHP3 is on the minus strand). VCF-style: chr3-132689270-C-T. GRCh37 (hg19) VCF-style: chr3-132408114-C-T.
Identifiers: ClinVar variation 3054696 (VCV003054696.2), dbSNP rs2530397358, ClinGen allele CA2667738344.

ClinVar aggregate classification (germline): Likely benign (0 of 4 stars; one submission).

Conditions:
NPHP3-related disorder. Also called: NPHP3-related disorders; NPHP3-related condition. Identifiers: MedGen CN379163.

Allele frequency attached by ClinVar (database versions not stated): gnomAD exomes below 0.00001.
gnomAD v4.1: 1 of 1,613,758 alleles (0.000062%); highest among the groups gnomAD compares: Non-Finnish European, 0.000085%; no homozygotes.

Submission:

PreventionGenetics, part of Exact Sciences
Classification: Likely benign for NPHP3-related condition. Last evaluated: 2022-09-19. Review status: no assertion criteria provided. Collection method: clinical testing. Allele origin: germline.
Comment: This variant is classified as likely benign based on ACMG/AMP sequence variant interpretation guidelines (Richards et al. 2015 PMID: 25741868, with internal and published modifications).